The following is an entry in ClinVar:

NM_000481.4(AMT):c.695_696+21del

Gene: AMT (aminomethyltransferase; minus strand). Cytogenetic location: 3p21.31.
Variant type: Deletion.
Coding change: c.695_696+21del on transcript NM_000481.4 (MANE Select); coding-DNA position 695 through 21 bases into the intron after coding-DNA position 696, 23 bases deleted (AGGTGTGTCAAGAAGTGGTGTGG).
Molecular consequence: splice donor variant.
Genome position (GRCh38, 1-based): chr3:49,419,239-49,419,261, CCACACCACTTCTTGACACACCT deleted on the plus strand (AGGTGTGTCAAGAAGTGGTGTGG on the coding strand, the reverse complement: AMT is on the minus strand); deleting any 23 consecutive bases within chr3:49,419,239-49,419,269 gives the same sequence; the c. name uses the placement nearest the transcript's 3' end. VCF-style (leftmost placement, unchanged base first): chr3-49419238-CCCACACCACTTCTTGACACACCT-C. GRCh37 (hg19) VCF-style: chr3-49456671-CCCACACCACTTCTTGACACACCT-C.
Other names: c.695_696+21del23 (NM_000481.3); c.527_528+21del (NM_001164711.2); c.563_564+21del (NM_001164710.2); c.695_696+21del (NM_001164712.2, NM_000481.3).
Identifiers: ClinVar variation 555079 (VCV000555079.6), dbSNP rs1553638457, ClinGen allele CA658823337.

ClinVar aggregate classification (germline): Likely pathogenic. Review status: criteria provided, multiple submitters, no conflicts (2 of 4 stars). 3 submissions from 3 submitters: Likely pathogenic (2). 1 of the submissions does not count toward it. Last evaluated 2022-11-03.

Conditions:
Inborn genetic diseases. Identifiers: MedGen C0950123, MeSH D030342.
Glycine encephalopathy. Also called: Non-ketotic hyperglycinemia; Nonketotic hyperglycinemia. Identifiers: Orphanet 407, MedGen C0751748, MONDO:0011612, HP:0008288.
Glycine encephalopathy 1 (GCE1). Identifiers: MedGen CN376801, MONDO:0958179, OMIM 605899.

Submissions (3):

Ambry Genetics
Classification: Likely pathogenic for Inborn genetic diseases. Last evaluated: 2022-11-03. Review status: criteria provided, single submitter. Criteria: Ambry Variant Classification Scheme 2023. Collection method: clinical testing. Allele origin: germline.
Comment: The c.695_696+21del23 variant results from a deletion of 23 nucleotides between positions c.695 and c.696+21 and involves the canonical splice donor site after coding exon 6 of the AMT gene. Alterations that disrupt the canonical splice site are expected to cause aberrant splicing, resulting in an abnormal protein or a transcript that is subject to nonsense-mediated mRNA decay. This variant was not reported in population-based cohorts in the Genome Aggregation Database (gnomAD). In silico splice site analysis predicts that this alteration will weaken the native splice donor site. Based on the available evidence, this alteration is classified as likely pathogenic.

Rady Children's Institute for Genomic Medicine, Rady Children's Hospital San Diego
Classification: Likely pathogenic for GLYCINE ENCEPHALOPATHY. Review status: criteria provided, single submitter. Criteria: ACMG Guidelines, 2015. Collection method: clinical testing. Allele origin: germline. Affected: yes.
Comment: This variant affects the canonical splice donor site of intron 6 and is therefore predicted to interfere with splicing and result in loss of normal protein function through either protein truncation or nonsense-mediated mRNA decay (NMD). This variant has not been previously reported or functionally characterized in the literature to our knowledge. Loss-of-function variation in AMT is an established mechanism of disease (PMID: 20301531). The c.695_696+21del variant is absent from the gnomAD population database and thus is presumed to be rare. Based on the available evidence, the c.695_696+21del variant is classified as Likely Pathogenic.

Counsyl
Classification: Likely pathogenic for Glycine encephalopathy 1. Last evaluated: 2017-11-26. Review status: no assertion criteria provided. Collection method: clinical testing. Allele origin: unknown. Not counted in ClinVar's aggregate classification.